The following is an entry in ClinVar:

ClinVar aggregate classification (germline): Uncertain significance (1 of 4 stars; one submission).

gnomAD v4.1: 1 of 1,612,536 alleles (0.000062%); highest among the groups gnomAD compares: Non-Finnish European, 0.000085%; no homozygotes.

Submission:

Clinical Genomics Laboratory, Washington University in St. Louis
Classification: Uncertain significance. Last evaluated: 2026-02-01. Review status: criteria provided, single submitter. Criteria: ACMG Guidelines, 2015. Collection method: clinical testing. Allele origin: germline.
Comment: The GRAMD4 c.559G>T (p.Glu187*) variant, to our knowledge, has not been reported in the medical literature. This variant is only observed in 1/1,179,718 alleles in the general population (gnomAD v4.1.0), indicating it is not a common variant. This variant causes a premature termination codon, which is predicted to lead to nonsense-mediated decay. Due to limited information, the clinical significance of this variant is uncertain.

NM_015124.5(GRAMD4):c.559G>T (p.Glu187Ter)

Gene: GRAMD4 (GRAM domain containing 4; plus strand). Cytogenetic location: 22q13.31.
Variant type: single nucleotide variant.
Coding change: c.559G>T on transcript NM_015124.5 (MANE Select); coding-DNA position 559, G replaced by T.
Protein change: p.Glu187Ter; replaces glutamic acid 187 with a stop codon.
Molecular consequence: nonsense.
Genome position (GRCh38, 1-based): chr22:46,663,132, G>T. VCF-style: chr22-46663132-G-T. GRCh37 (hg19) VCF-style: chr22-47059029-G-T.
Other names: c.637G>T, p.Glu213Ter (NM_001366660.1); short protein forms E187*, E213*.
Identifiers: ClinVar variation 4879483 (VCV004879483.1).
Genomic context (GRCh38, chr22:46,663,132, plus strand): 5'-CAGAAGTGGTTCTACGAGCGGTTTGGGGAGTACGTGGAGGACTTCCGGTTCCAGCCCGAG[G>T]AGAACACTGTGGAGACAGAGGAACCCCTGAGCGCCCGCAGGTAGGGGTTCGCCGAGCTGG-3'